The following is an entry in ClinVar:

NM_002335.4(LRP5):c.4755G>A (p.Ser1585=)

Gene: LRP5 (LDL receptor related protein 5; plus strand). Cytogenetic location: 11q13.2.
Variant type: single nucleotide variant.
Coding change: c.4755G>A on transcript NM_002335.4 (MANE Select); coding-DNA position 4755, G replaced by A.
Protein change: p.Ser1585=; no amino-acid change (serine 1585 retained).
Molecular consequence: synonymous variant.
Genome position (GRCh38, 1-based): chr11:68,448,977, G>A. VCF-style: chr11-68448977-G-A. GRCh37 (hg19) VCF-style: chr11-68216445-G-A.
Other names: c.3012G>A, p.Ser1004= (NM_001291902.2); c.4755G>A (NM_002335.3).
Identifiers: ClinVar variation 1150479 (VCV001150479.12), dbSNP rs545586907, ClinGen allele CA6150500.

ClinVar aggregate classification (germline): Likely benign. Review status: criteria provided, multiple submitters, no conflicts (2 of 4 stars). 3 submissions from 3 submitters: Likely benign (2). 1 of the submissions does not count toward it. Last evaluated 2024-08-05.

Conditions:
LRP5-related disorder. Also called: LRP5-related condition.

Allele frequency attached by ClinVar (database versions not stated): TOPMed 0.00003; gnomAD 0.00005; ExAC 0.00008; 1000 Genomes Project 0.00020; 1000 Genomes Project 30x 0.00031.
gnomAD v4.1: 96 of 1,609,992 alleles (0.006%); highest among the groups gnomAD compares: Non-Finnish European, 0.007%; no homozygotes.

Submissions (3):

Labcorp Genetics (formerly Invitae), Labcorp
Classification: Likely benign. Last evaluated: 2024-08-05. Review status: criteria provided, single submitter. Criteria: Invitae Variant Classification Sherloc (09022015). Collection method: clinical testing. Allele origin: germline.

Blueprint Genetics
Classification: Likely benign. Last evaluated: 2023-07-26. Review status: criteria provided, single submitter. Criteria: ACMG Guidelines, 2015. Collection method: clinical testing. Allele origin: germline.

PreventionGenetics, part of Exact Sciences
Classification: Likely benign for LRP5-related condition. Last evaluated: 2019-05-07. Review status: no assertion criteria provided. Collection method: clinical testing. Allele origin: germline. Not counted in ClinVar's aggregate classification.
Comment: This variant is classified as likely benign based on ACMG/AMP sequence variant interpretation guidelines (Richards et al. 2015 PMID: 25741868, with internal and published modifications).